The following is an entry in ClinVar:

NM_004370.6(COL12A1):c.8577+1del

Gene: COL12A1 (collagen type XII alpha 1 chain; minus strand). Cytogenetic location: 6q13.
Variant type: Deletion.
Coding change: c.8577+1del on transcript NM_004370.6 (MANE Select); the canonical splice donor site of the intron after coding-DNA position 8577, one base deleted (G; older notation c.8577+1delG).
Molecular consequence: splice donor variant.
Genome position (GRCh38, 1-based): chr6:75,097,252, C deleted on the plus strand (G on the coding strand, the reverse complement: COL12A1 is on the minus strand); the first of 2 consecutive C bases (chr6:75,097,252-75,097,253); deleting either gives the same sequence. VCF-style (leftmost placement, unchanged base first): chr6-75097251-AC-A. GRCh37 (hg19) VCF-style: chr6-75806967-AC-A.
Other names: c.5085+1del (NM_080645.3).
Identifiers: ClinVar variation 2012070 (VCV002012070.4), dbSNP rs2533072538, ClinGen allele CA2580075802.
Genomic context (GRCh38, chr6:75,097,251, plus strand): 5'-AGCAAAATGAGGTGAGAGGGTGGGAGTGAAGGGCACAAAAATGAGACACATTTAGTTCTT[AC>A]CGGCGGCCCTGGTGGGCCCCTGGGTCCCATTGCACCGTCTTTTCCAGTGAAGCCCTATTG-3'

ClinVar aggregate classification (germline): Pathogenic (1 of 4 stars; one submission).

Conditions:
Ullrich congenital muscular dystrophy 2 (UCMD2). Identifiers: Orphanet 75840, MedGen C4225314, MONDO:0014654, OMIM 616470.
Bethlem myopathy 2 (BTHLM2). Identifiers: Orphanet 536516, Orphanet 610, MedGen C4225313, MONDO:0034022, OMIM 616471.

Submission:

Labcorp Genetics (formerly Invitae), Labcorp
Classification: Pathogenic for Bethlem myopathy 2; Ullrich congenital muscular dystrophy 2. Last evaluated: 2021-11-28. Review status: criteria provided, single submitter. Criteria: Invitae Variant Classification Sherloc (09022015). Collection method: clinical testing. Allele origin: germline.
Comment: For these reasons, this variant has been classified as Pathogenic. Algorithms developed to predict the effect of sequence changes on RNA splicing suggest that this variant may disrupt the consensus splice site. This variant has not been reported in the literature in individuals affected with COL12A1-related conditions. This variant is not present in population databases (gnomAD no frequency). This sequence change creates a premature translational stop signal (p.Gly2860Glufs*29) in the COL12A1 gene. It is expected to result in an absent or disrupted protein product. Loss-of-function variants in COL12A1 are known to be pathogenic (PMID: 24334604, 28973083).

Literature cited by the submitters: PubMed 24334604; PubMed 28973083.